The following is an entry in ClinVar:

ClinVar aggregate classification (germline): Uncertain significance. Review status: criteria provided, multiple submitters, no conflicts (2 of 4 stars). 2 submissions from 2 submitters: Uncertain significance (2). Last evaluated 2026-07-07.

Conditions:
Hereditary cancer-predisposing syndrome. Also called: Neoplastic Syndromes, Hereditary; Hereditary Cancer Syndrome; Tumor predisposition; Hereditary neoplastic syndrome. Identifiers: Orphanet 140162, MedGen C0027672, MeSH D009386, MONDO:0015356.
Tuberous sclerosis 1 (TSC1). Identifiers: Orphanet 805, MedGen C1854465, MONDO:0008612, OMIM 191100.

Submissions (2):

Ambry Genetics
Classification: Uncertain significance for Hereditary cancer-predisposing syndrome. Last evaluated: 2026-07-07. Review status: criteria provided, single submitter. Criteria: Ambry Variant Classification Scheme 2023. Collection method: clinical testing. Allele origin: germline.
Comment: The p.L742S variant (also known as c.2225T>C), located in coding exon 16 of the TSC1 gene, results from a T to C substitution at nucleotide position 2225. The leucine at codon 742 is replaced by serine, an amino acid with dissimilar properties. This amino acid position is conserved. In addition, this alteration is predicted to be deleterious by in silico analysis. Based on the available evidence, the clinical significance of this variant remains unclear.

Labcorp Genetics (formerly Invitae), Labcorp
Classification: Uncertain significance for Tuberous sclerosis 1. Last evaluated: 2024-07-11. Review status: criteria provided, single submitter. Criteria: Invitae Variant Classification Sherloc (09022015). Collection method: clinical testing. Allele origin: germline.
Comment: This sequence change replaces leucine, which is neutral and non-polar, with serine, which is neutral and polar, at codon 742 of the TSC1 protein (p.Leu742Ser). This variant is not present in population databases (gnomAD no frequency). This variant has not been reported in the literature in individuals affected with TSC1-related conditions. ClinVar contains an entry for this variant (Variation ID: 411232). Advanced modeling of protein sequence and biophysical properties (such as structural, functional, and spatial information, amino acid conservation, physicochemical variation, residue mobility, and thermodynamic stability) performed at Invitae indicates that this missense variant is not expected to disrupt TSC1 protein function with a negative predictive value of 95%. In summary, the available evidence is currently insufficient to determine the role of this variant in disease. Therefore, it has been classified as a Variant of Uncertain Significance.

NM_000368.5(TSC1):c.2225T>C (p.Leu742Ser)

Gene: TSC1 (TSC complex subunit 1; minus strand). Cytogenetic location: 9q34.13.
Variant type: single nucleotide variant.
Coding change: c.2225T>C on transcript NM_000368.5 (MANE Select); coding-DNA position 2225, T replaced by C.
Protein change: p.Leu742Ser; replaces leucine 742 with serine.
Molecular consequence: missense variant.
Genome position (GRCh38, 1-based): chr9:132,902,771, A>G on the plus strand (T>C on the coding strand, the complement: TSC1 is on the minus strand). VCF-style: chr9-132902771-A-G. GRCh37 (hg19) VCF-style: chr9-135778158-A-G.
Other names: c.2222T>C, p.Leu741Ser (NM_001162426.2); c.2072T>C, p.Leu691Ser (NM_001162427.2); c.1862T>C, p.Leu621Ser (NM_001362177.2); short protein forms L742S, L621S, L741S, L691S.
Identifiers: ClinVar variation 411232 (VCV000411232.7), dbSNP rs1060503201, ClinGen allele CA16612627.